The following is an entry in ClinVar:

NM_006648.4(WNK2):c.1789C>T (p.His597Tyr)

Gene: WNK2 (WNK lysine deficient protein kinase 2; plus strand). Cytogenetic location: 9q22.31.
Variant type: single nucleotide variant.
Coding change: c.1789C>T on transcript NM_006648.4 (MANE Select); coding-DNA position 1789, C replaced by T.
Protein change: p.His597Tyr; replaces histidine 597 with tyrosine.
Molecular consequence: missense variant.
Genome position (GRCh38, 1-based): chr9:93,247,789, C>T. VCF-style: chr9-93247789-C-T. GRCh37 (hg19) VCF-style: chr9-96010071-C-T.
Other names: c.1789C>T, p.His597Tyr (NM_001282394.3); short protein forms H597Y.
Identifiers: ClinVar variation 3817035 (VCV003817035.1).
Genomic context (GRCh38, chr9:93,247,789, plus strand): 5'-TACCATGCACAGGCTGGGCAGCCCGGGCCACCAGAGCCCGAGGAGCCGGAGGCCGACCAG[C>T]ACCTCCTGCCACCTACGTTGCCGACCAGCGCCACCTCCCTGGCCTGTGAGTGCTCAGGGG-3'
Protein context (NP_006639.3, residues 587-607): PEPEEPEADQ[His597Tyr]LLPPTLPTSA

ClinVar aggregate classification (germline): Uncertain significance (1 of 4 stars; one submission).

Submission:

Ambry Genetics
Classification: Uncertain significance. Last evaluated: 2025-02-08. Review status: criteria provided, single submitter. Criteria: Ambry Variant Classification Scheme 2023. Collection method: clinical testing. Allele origin: germline.
Comment: The p.H597Y variant (also known as c.1789C>T), located in coding exon 7 of the WNK2 gene, results from a C to T substitution at nucleotide position 1789. The histidine at codon 597 is replaced by tyrosine, an amino acid with similar properties. This amino acid position is conserved. In addition, the in silico prediction for this alteration is inconclusive. Based on the available evidence, the clinical significance of this variant remains unclear.